The following is an entry in ClinVar:

ClinVar aggregate classification (germline): Uncertain significance (1 of 4 stars; one submission).

Conditions:
Hereditary pancreatitis (PCTT). Also called: PRSS1-Related Hereditary Pancreatitis; Hereditary chronic pancreatitis. Identifiers: Orphanet 676, MedGen C0238339, MONDO:0008185, OMIM 167800.

Submission:

Ambry Genetics
Classification: Uncertain significance for Hereditary pancreatitis. Last evaluated: 2024-04-03. Review status: criteria provided, single submitter. Criteria: Ambry Variant Classification Scheme 2023. Collection method: clinical testing. Allele origin: germline.
Comment: The p.Y37* variant (also known as c.111C>G), located in coding exon 2 of the PRSS1 gene, results from a C to G substitution at nucleotide position 111. This changes the amino acid from a tyrosine to a stop codon within coding exon 2. This variant was detected in a patient with reported alcoholism without chronic pancreatitis (Chen JM et al. Mol Genet Metab, 2003 May;79:67-70). This alteration is expected to result in loss of function by premature protein truncation or nonsense-mediated mRNA decay. However, loss of function of PRSS1 has not been established as a mechanism of disease. Based on the available evidence, the clinical significance of this alteration remains unclear.

Literature cited by the submitters: PubMed 12765848.

NM_002769.5(PRSS1):c.111C>G (p.Tyr37Ter)

Genes: PRSS1 (serine protease 1; plus strand), TRB (T cell receptor beta locus; plus strand). Cytogenetic location: 7q34.
Variant type: single nucleotide variant.
Coding change: c.111C>G on transcript NM_002769.5 (MANE Select); coding-DNA position 111, C replaced by G.
Protein change: p.Tyr37Ter; replaces tyrosine 37 with a stop codon.
Molecular consequence: nonsense. On other transcripts: non-coding transcript variant (2).
Genome position (GRCh38, 1-based): chr7:142,750,625, C>G. VCF-style: chr7-142750625-C-G. GRCh37 (hg19) VCF-style: chr7-142458476-C-G.
Other names: short protein forms Y37*.
Identifiers: ClinVar variation 3310640 (VCV003310640.1).
Genomic context (GRCh38, chr7:142,750,625, plus strand): 5'-CTTTGATGATGATGACAAGATCGTTGGGGGCTACAACTGTGAGGAGAATTCTGTCCCCTA[C>G]CAGGTGTCCCTGAATTCTGGCTACCACTTCTGTGGTGGCTCCCTCATCAACGAACAGTGG-3'